The following is an entry in ClinVar:

ClinVar aggregate classification (germline): Uncertain significance (1 of 4 stars; one submission).

Conditions:
ITGA2B-related disorder. Also called: ITGA2B-related disorders; ITGA2B-related condition.

gnomAD v4.1: 2 of 1,601,262 alleles (0.00012%); highest among the groups gnomAD compares: Non-Finnish European, 0.00017%; no homozygotes.

Submission:

PreventionGenetics, part of Exact Sciences
Classification: Uncertain significance for ITGA2B-related condition. Last evaluated: 2026-05-22. Review status: criteria provided, single submitter. Criteria: ACMG Guidelines, 2015. Collection method: clinical testing. Allele origin: germline.
Comment: The ITGA2B c.2563C>G variant is predicted to result in the amino acid substitution p.Leu855Val. To our knowledge, this variant has not been reported in the literature or in a large population database (gnomAD), indicating this variant is rare. At this time, the clinical significance of this variant is uncertain due to the absence of conclusive functional and genetic evidence.

NM_000419.5(ITGA2B):c.2563C>G (p.Leu855Val)

Gene: ITGA2B (integrin subunit alpha 2b; minus strand). Cytogenetic location: 17q21.31.
Variant type: single nucleotide variant.
Coding change: c.2563C>G on transcript NM_000419.5 (MANE Select); coding-DNA position 2563, C replaced by G.
Protein change: p.Leu855Val; replaces leucine 855 with valine.
Molecular consequence: missense variant.
Genome position (GRCh38, 1-based): chr17:44,375,871, G>C on the plus strand (C>G on the coding strand, the complement: ITGA2B is on the minus strand). VCF-style: chr17-44375871-G-C. GRCh37 (hg19) VCF-style: chr17-42453239-G-C.
Other names: short protein forms L855V.
Identifiers: ClinVar variation 4996554 (VCV004996554.1).